The following is an entry in ClinVar:

ClinVar aggregate classification (germline): Pathogenic (1 of 4 stars; one submission).

Conditions:
Merosin deficient congenital muscular dystrophy (MDC1A). Also called: Congenital merosin-deficient muscular dystrophy 1A; Congenital Muscular Dystrophy Type 1A (MDC1A). Identifiers: Orphanet 258, MedGen C1263858, MONDO:0011925, OMIM 607855.

Submission:

Women's Health and Genetics/Laboratory Corporation of America, LabCorp
Classification: Pathogenic for Merosin deficient congenital muscular dystrophy. Last evaluated: 2025-11-25. Review status: criteria provided, single submitter. Criteria: LabCorp Variant Classification Summary - May 2015. Collection method: clinical testing. Allele origin: germline.
Comment: Variant summary: The variant involves the deletion of exons 2-17 in the LAMA2 gene. A presumed nomenclature of c.(112+1_113-1)_(2450+1_2451-1)del has been designated for the purposes of this classification. This Copy Number Variant (CNV) is expected to alter the reading frame and predicted to result in a truncation or absence of the encoded protein due to nonsense mediated decay (NMD). Loss-of-function variants in this gene are known to be pathogenic. The variant was absent in 21694 control chromosomes (gnomAD SV database). To our knowledge, no occurrence of c.(112+1_113-1)_(2450+1_2451-1)del in individuals affected with LAMA2-related conditions and no experimental evidence demonstrating its impact on protein function have been reported. No submitters have cited clinical-significance assessments for this variant to ClinVar. Based on the evidence outlined above, the variant was classified as pathogenic.

NC_000006.11:g.(129204503_129371062)_(129591897_129601205)del

Gene: LAMA2 (laminin subunit alpha 2; plus strand). Cytogenetic location: 6q22.33.
Variant type: Deletion.
Identifiers: ClinVar variation 4537206 (VCV004537206.1).